The following is an entry in ClinVar:

NM_021942.6(TRAPPC11):c.1051C>T (p.Gln351Ter)

Gene: TRAPPC11 (trafficking protein particle complex subunit 11; plus strand). Cytogenetic location: 4q35.1.
Variant type: single nucleotide variant.
Coding change: c.1051C>T on transcript NM_021942.6 (MANE Select); coding-DNA position 1051, C replaced by T.
Protein change: p.Gln351Ter; replaces glutamine 351 with a stop codon.
Molecular consequence: nonsense.
Genome position (GRCh38, 1-based): chr4:183,680,205, C>T. VCF-style: chr4-183680205-C-T. GRCh37 (hg19) VCF-style: chr4-184601358-C-T.
Other names: c.1051C>T, p.Gln351Ter (NM_199053.3); short protein forms Q351*.
Identifiers: ClinVar variation 1454783 (VCV001454783.6), dbSNP rs2111348673, ClinGen allele CA358863399.
Genomic context (GRCh38, chr4:183,680,205, plus strand): 5'-GATGAAGCTATTAAGTTAGGGTTAACAGCTATTCAAACTCAGAATCCTGGTTTCTATTAC[C>T]AGCAGGCAGCATACTATGCCCAGGAGCGGAAACAGCTTGCAAAAACCCTCTGTAACCACG-3'

ClinVar aggregate classification (germline): Pathogenic (1 of 4 stars; one submission).

Conditions:
Autosomal recessive limb-girdle muscular dystrophy type R18 (LGMDR18). Also called: Limb-girdle muscular dystrophy, type 2S; MUSCULAR DYSTROPHY, LIMB-GIRDLE, AUTOSOMAL RECESSIVE 18; Autosomal recessive limb-girdle muscular dystrophy type 2S. Identifiers: Orphanet 369840, MedGen C4517996, MONDO:0014144, OMIM 615356.

Allele frequency attached by ClinVar (database versions not stated): gnomAD exomes below 0.00001.
gnomAD v4.1: 2 of 1,613,886 alleles (0.00012%); highest among the groups gnomAD compares: Middle Eastern, 0.016%; no homozygotes.

Submission:

Labcorp Genetics (formerly Invitae), Labcorp
Classification: Pathogenic for Autosomal recessive limb-girdle muscular dystrophy type R18. Last evaluated: 2022-02-10. Review status: criteria provided, single submitter. Criteria: Invitae Variant Classification Sherloc (09022015). Collection method: clinical testing. Allele origin: germline.
Comment: This variant has not been reported in the literature in individuals affected with TRAPPC11-related conditions. For these reasons, this variant has been classified as Pathogenic. This variant is not present in population databases (gnomAD no frequency). This sequence change creates a premature translational stop signal (p.Gln351*) in the TRAPPC11 gene. It is expected to result in an absent or disrupted protein product. Loss-of-function variants in TRAPPC11 are known to be pathogenic (PMID: 23830518, 26322222).

Literature cited by the submitters: PubMed 23830518; PubMed 26322222.